The following is an entry in ClinVar:

ClinVar aggregate classification (germline): Pathogenic (3 of 4 stars; one submission).

Conditions:
Breast-ovarian cancer, familial, susceptibility to, 1 (BROVCA1). Also called: BRCA1 Hereditary Breast and Ovarian Cancer; OVARIAN CANCER, SUSCEPTIBILITY TO. Identifiers: Orphanet 145, MedGen C2676676, MONDO:0011450, OMIM 604370. Disease mechanism: loss of function.

Submission:

Evidence-based Network for the Interpretation of Germline Mutant Alleles (ENIGMA)
Classification: Pathogenic for Breast-ovarian cancer, familial, susceptibility to, 1. Last evaluated: 2017-12-15. Review status: reviewed by expert panel. Criteria: ENIGMA BRCA1/2 Classification Criteria (2017-06-29). Collection method: curation. Allele origin: germline. Study: ENIGMA.
Comment: Variant allele predicted to encode a truncated non-functional protein.

NM_007294.4(BRCA1):c.4286_4287insG (p.Tyr1429Ter)

Gene: BRCA1 (BRCA1 DNA repair associated; minus strand). Cytogenetic location: 17q21.31.
Variant type: Insertion.
Coding change: c.4286_4287insG on transcript NM_007294.4 (MANE Select); coding-DNA positions 4286 to 4287, G inserted.
Protein change: p.Tyr1429Ter; replaces tyrosine 1429 with a stop codon.
Molecular consequence: nonsense. On other transcripts: frameshift variant (365), non-coding transcript variant (1).
Genome position: GRCh38 VCF-style: chr17-43082474-G-GC. GRCh37 (hg19) VCF-style: chr17-41234491-G-GC.
Other names: c.4145_4146insG, p.Tyr1382Terfs (NM_001407737.1, NM_001407738.1, NM_001407739.1 and 22 more transcripts); c.4142_4143insG, p.Tyr1381Terfs (NM_001407740.1, NM_001407741.1, NM_001407742.1 and 23 more transcripts); c.4139_4140insG, p.Tyr1380Terfs (NM_001407847.1, NM_001407848.1, NM_001407849.1); c.4073_4074insG, p.Tyr1358Terfs (NM_001407853.1, NM_001407894.1, NM_001407895.1 and 12 more transcripts); c.4286_4287insG, p.Tyr1429Terfs (NM_001407854.1, NM_001407858.1, NM_001407859.1 and 22 more transcripts); c.4283_4284insG, p.Tyr1428Terfs (NM_001407860.1, NM_001407861.1, NM_001407587.1 and 21 more transcripts); c.4085_4086insG, p.Tyr1362Terfs (NM_001407862.1); c.4163_4164insG, p.Tyr1388Terfs (NM_001407863.1, NM_001407919.1, NM_001407937.1 and 13 more transcripts); and 54 more; short protein forms Y326*, Y1429*, Y1382*.
Identifiers: ClinVar variation 548254 (VCV000548254.2), dbSNP rs1555584110, ClinGen allele CA658825018.
Genomic context (GRCh38, chr17:43,082,474, plus strand): 5'-TGTGCTTTGTTCTGGATTTCGCAGGTCCTCAAGGGCAGAAGAGTCACTTATGATGGAAGG[G>GC]TAGCTGTTAGAAGGCTGGCTCCCATGCTGTTCTAACACAGCTTCTAGTTCAGCCATTTCC-3'